The following is an entry in ClinVar:

ClinVar aggregate classification (germline): Uncertain significance. Review status: criteria provided, multiple submitters, no conflicts (2 of 4 stars). 2 submissions from 2 submitters: Uncertain significance (2). Last evaluated 2026-02-05.

Conditions:
Curry-Hall syndrome (WAD). Also called: WEYERS ACRODENTAL DYSOSTOSIS. Identifiers: Orphanet 952, MedGen C0457013, MONDO:0008673, OMIM 193530.
Ellis-van Creveld syndrome (EVC). Also called: MESOECTODERMAL DYSPLASIA; Chondroectodermal dysplasia. Identifiers: Orphanet 289, MedGen C0013903, MONDO:0009162, OMIM 225500.

Allele frequency attached by ClinVar (database versions not stated): TOPMed 0.00001; gnomAD exomes 0.00002; gnomAD 0.00003.
gnomAD v4.1: 29 of 1,614,072 alleles (0.0018%); highest among the groups gnomAD compares: Non-Finnish European, 0.0025%; no homozygotes.

Submissions (2):

GeneDx
Classification: Uncertain significance. Last evaluated: 2026-02-05. Review status: criteria provided, single submitter. Criteria: GeneDx Variant Classification Process June 2021. Collection method: clinical testing. Allele origin: germline.
Comment: Not observed at significant frequency in large population cohorts (gnomAD); In silico analysis suggests that this missense variant does not alter protein structure/function; Has not been previously published as pathogenic or benign to our knowledge

Labcorp Genetics (formerly Invitae), Labcorp
Classification: Uncertain significance for Curry-Hall syndrome; Ellis-van Creveld syndrome. Last evaluated: 2025-05-05. Review status: criteria provided, single submitter. Criteria: Invitae Variant Classification Sherloc (09022015). Collection method: clinical testing. Allele origin: germline.
Comment: This sequence change replaces alanine, which is neutral and non-polar, with proline, which is neutral and non-polar, at codon 915 of the EVC protein (p.Ala915Pro). This variant is present in population databases (no rsID available, gnomAD 0.0009%). This variant has not been reported in the literature in individuals affected with EVC-related conditions. ClinVar contains an entry for this variant (Variation ID: 2166722). Invitae Evidence Modeling of protein sequence and biophysical properties (such as structural, functional, and spatial information, amino acid conservation, physicochemical variation, residue mobility, and thermodynamic stability) indicates that this missense variant is not expected to disrupt EVC protein function with a negative predictive value of 95%. In summary, the available evidence is currently insufficient to determine the role of this variant in disease. Therefore, it has been classified as a Variant of Uncertain Significance.

NM_153717.3(EVC):c.2743G>C (p.Ala915Pro)

Gene: EVC (EvC ciliary complex subunit 1; plus strand). Cytogenetic location: 4p16.2.
Variant type: single nucleotide variant.
Coding change: c.2743G>C on transcript NM_153717.3 (MANE Select); coding-DNA position 2743, G replaced by C.
Protein change: p.Ala915Pro; replaces alanine 915 with proline.
Molecular consequence: missense variant.
Genome position (GRCh38, 1-based): chr4:5,809,572, G>C. VCF-style: chr4-5809572-G-C. GRCh37 (hg19) VCF-style: chr4-5811299-G-C.
Other names: c.2743G>C (NM_153717.2); c.2743G>C, p.Ala915Pro (NM_001306090.2); short protein forms A915P.
Identifiers: ClinVar variation 2166722 (VCV002166722.3), dbSNP rs1350522989, ClinGen allele CA356152840.